The following is an entry in ClinVar:

ClinVar aggregate classification (germline): Uncertain significance (0 of 4 stars; one submission).

Conditions:
NCOA1-related disorder. Also called: NCOA1-related condition.

gnomAD v4.1: 1 of 1,614,114 alleles (0.000062%); highest among the groups gnomAD compares: Non-Finnish European, 0.000085%; no homozygotes.

Submission:

PreventionGenetics, part of Exact Sciences
Classification: Uncertain significance for NCOA1-related condition. Last evaluated: 2024-09-25. Review status: no assertion criteria provided. Collection method: clinical testing. Allele origin: germline.
Comment: The NCOA1 c.562A>T variant is predicted to result in the amino acid substitution p.Thr188Ser. To our knowledge, this variant has not been reported in the literature. This variant is reported in 0.00088% of alleles in individuals of European (Non-Finnish) descent in gnomAD. At this time, the clinical significance of this variant is uncertain due to the absence of conclusive functional and genetic evidence.

NM_003743.5(NCOA1):c.562A>T (p.Thr188Ser)

Gene: NCOA1 (nuclear receptor coactivator 1; plus strand). Cytogenetic location: 2p23.3.
Variant type: single nucleotide variant.
Coding change: c.562A>T on transcript NM_003743.5 (MANE Select); coding-DNA position 562, A replaced by T.
Protein change: p.Thr188Ser; replaces threonine 188 with serine.
Molecular consequence: missense variant.
Genome position (GRCh38, 1-based): chr2:24,691,510, A>T. VCF-style: chr2-24691510-A-T. GRCh37 (hg19) VCF-style: chr2-24914379-A-T.
Other names: c.562A>T, p.Thr188Ser (NM_001362950.1, NM_001362952.1, NM_001362954.1 and 3 more transcripts); short protein forms T188S.
Identifiers: ClinVar variation 3345670 (VCV003345670.1).